The following is an entry in ClinVar:

ClinVar aggregate classification (germline): Uncertain significance (1 of 4 stars; one submission).

Conditions:
Hereditary cancer-predisposing syndrome. Also called: Tumor predisposition; Neoplastic Syndromes, Hereditary; Hereditary neoplastic syndrome; Hereditary Cancer Syndrome. Identifiers: Orphanet 140162, MedGen C0027672, MeSH D009386, MONDO:0015356.

Submission:

Ambry Genetics
Classification: Uncertain significance for Hereditary cancer-predisposing syndrome. Last evaluated: 2024-09-05. Review status: criteria provided, single submitter. Criteria: Ambry Variant Classification Scheme 2023. Collection method: clinical testing. Allele origin: germline.
Comment: The p.S999R variant (also known as c.2995A>C), located in coding exon 26 of the TSC2 gene, results from an A to C substitution at nucleotide position 2995. The serine at codon 999 is replaced by arginine, an amino acid with dissimilar properties. This amino acid position is conserved. In addition, this alteration is predicted to be deleterious by in silico analysis. Based on the available evidence, the clinical significance of this variant remains unclear.

NM_000548.5(TSC2):c.2995A>C (p.Ser999Arg)

Gene: TSC2 (TSC complex subunit 2; plus strand). Cytogenetic location: 16p13.3.
Variant type: single nucleotide variant.
Coding change: c.2995A>C on transcript NM_000548.5 (MANE Select); coding-DNA position 2995, A replaced by C.
Protein change: p.Ser999Arg; replaces serine 999 with arginine.
Molecular consequence: missense variant. On other transcripts: non-coding transcript variant (5).
Genome position (GRCh38, 1-based): chr16:2,079,060, A>C. VCF-style: chr16-2079060-A-C. GRCh37 (hg19) VCF-style: chr16-2129061-A-C.
Other names: c.2863A>C, p.Ser955Arg (NM_001077183.3, NM_001370404.1, NM_001406665.1); c.2995A>C, p.Ser999Arg (NM_001114382.3); c.2755A>C, p.Ser919Arg (NM_001318827.2); c.2719A>C, p.Ser907Arg (NM_001318829.2); c.2263A>C, p.Ser755Arg (NM_001318831.2, NM_001406687.1, NM_001406688.1); c.2896A>C, p.Ser966Arg (NM_001318832.2); c.2866A>C, p.Ser956Arg (NM_001363528.2, NM_001370405.1, NM_021055.3); c.2992A>C, p.Ser998Arg (NM_001406663.1, NM_001406664.1); and 18 more; short protein forms S421R, S508R, S756R, S906R, S936R, S956R, S962R, S986R.
Identifiers: ClinVar variation 3462618 (VCV003462618.1).